The following is an entry in ClinVar:

ClinVar aggregate classification (germline): Uncertain significance. Review status: criteria provided, multiple submitters, no conflicts (2 of 4 stars). 4 submissions from 4 submitters: Uncertain significance (4). Last evaluated 2025-11-03.

Conditions:
Glaucoma 3, primary congenital, D. Identifiers: Orphanet 98976, MedGen C2751316, MONDO:0013122, OMIM 613086.
Inborn genetic diseases. Identifiers: MedGen C0950123, MeSH D030342.

Allele frequency attached by ClinVar (database versions not stated): gnomAD 0.00002; TOPMed 0.00002; gnomAD exomes 0.00004 and 0.00010; ExAC 0.00011; 1000 Genomes Project 30x 0.00016; 1000 Genomes Project 0.00020.
gnomAD v4.1: 45 of 1,326,946 alleles (0.0034%); highest among the groups gnomAD compares: South Asian, 0.12%; no homozygotes.

Submissions (4):

Ambry Genetics
Classification: Uncertain significance for Inborn genetic diseases. Last evaluated: 2025-11-03. Review status: criteria provided, single submitter. Criteria: Ambry Variant Classification Scheme 2023. Collection method: clinical testing. Allele origin: germline.

Blueprint Genetics
Classification: Uncertain significance. Last evaluated: 2024-03-21. Review status: criteria provided, single submitter. Criteria: ACMG Guidelines, 2015. Collection method: clinical testing. Allele origin: germline.

Neuberg Centre For Genomic Medicine, NCGM
Classification: Uncertain significance for Glaucoma 3, primary congenital, D. Last evaluated: 2023-05-20. Review status: criteria provided, single submitter. Criteria: ACMG Guidelines, 2015. Collection method: clinical testing. Allele origin: germline. Inheritance: Autosomal recessive inheritance. Affected: yes.
Comment: The observed missense variant c.2525C>T(p.Thr842Ile) in LTBP2 gene has not been reported previously as a pathogenic variant nor as a benign variant, to our knowledge. The c.2525C>T variant has 0.01% allele frequency in gnomAD Exomes. This variant has been reported to the ClinVar database as Uncertain Significance. However, no details are available for independent assessment. The amino acid Threonine at position 842 is changed to a Isoleucine changing protein sequence and it might alter its composition and physico-chemical properties. Multiple lines of computational evidence (Polyphen, SIFT and Mutation Taster) predict no damaging effect on protein structure and function for this variant. The reference amino acid in LTBP2 is predicted as conserved by GERP++ and PhyloP across 100 vertebrates. For these reasons, this variant has been classified as Uncertain Significance. In the absence of another reportable variant, the molecular diagnosis is not confirmed.

Labcorp Genetics (formerly Invitae), Labcorp
Classification: Uncertain significance. Last evaluated: 2021-11-08. Review status: criteria provided, single submitter. Criteria: Invitae Variant Classification Sherloc (09022015). Collection method: clinical testing. Allele origin: germline.
Comment: This sequence change replaces threonine, which is neutral and polar, with isoleucine, which is neutral and non-polar, at codon 842 of the LTBP2 protein (p.Thr842Ile). This variant is present in population databases (rs552098847, gnomAD 0.1%). This variant has not been reported in the literature in individuals affected with LTBP2-related conditions. Algorithms developed to predict the effect of missense changes on protein structure and function are either unavailable or do not agree on the potential impact of this missense change (SIFT: "Deleterious"; PolyPhen-2: "Benign"; Align-GVGD: "Class C25"). In summary, the available evidence is currently insufficient to determine the role of this variant in disease. Therefore, it has been classified as a Variant of Uncertain Significance.

NM_000428.3(LTBP2):c.2525C>T (p.Thr842Ile)

Gene: LTBP2 (latent transforming growth factor beta binding protein 2; minus strand). Cytogenetic location: 14q24.3.
Variant type: single nucleotide variant.
Coding change: c.2525C>T on transcript NM_000428.3 (MANE Select); coding-DNA position 2525, C replaced by T.
Protein change: p.Thr842Ile; replaces threonine 842 with isoleucine.
Molecular consequence: missense variant.
Genome position (GRCh38, 1-based): chr14:74,525,129, G>A on the plus strand (C>T on the coding strand, the complement: LTBP2 is on the minus strand). VCF-style: chr14-74525129-G-A. GRCh37 (hg19) VCF-style: chr14-74991832-G-A.
Other names: c.2525C>T (NM_000428.2); short protein forms T842I.
Identifiers: ClinVar variation 1521783 (VCV001521783.10), dbSNP rs552098847, ClinGen allele CA7269483.
Genomic context (GRCh38, chr14:74,525,129, plus strand): 5'-AGACACAGCTCACAGGGCAGGGTGCAGGGAGCCCCAAAGGTCTGGCTGCAGCTACCTGGG[G>A]TGCTCAGGGTCACCAGCACATCAGTGGAGGGGGTCACTTGTTCTTCCTGTATCTCTGCAA-3'
Protein context (NP_000419.1, residues 832-852): PSTDVLVTLS[Thr842Ile]PGIDRCAAGA